The following is an entry in ClinVar:

ClinVar aggregate classification (germline): Uncertain significance (1 of 4 stars; one submission).

Conditions:
Gastrointestinal stromal tumor. Also called: Gastrointestinal stromal tumor, somatic; Gastrointestinal stroma tumor. Identifiers: Orphanet 44890, MedGen C0238198, MeSH D046152, MONDO:0011719, OMIM 606764, HP:0100723.

Submission:

Labcorp Genetics (formerly Invitae), Labcorp
Classification: Uncertain significance for Gastrointestinal stromal tumor. Last evaluated: 2023-08-08. Review status: criteria provided, single submitter. Criteria: Invitae Variant Classification Sherloc (09022015). Collection method: clinical testing. Allele origin: germline.
Comment: In summary, the available evidence is currently insufficient to determine the role of this variant in disease. Therefore, it has been classified as a Variant of Uncertain Significance. An algorithm developed to predict the effect of missense changes on protein structure and function (PolyPhen-2) suggests that this variant is likely to be disruptive. This variant has not been reported in the literature in individuals affected with KIT-related conditions. This variant is not present in population databases (gnomAD no frequency). This sequence change replaces threonine, which is neutral and polar, with asparagine, which is neutral and polar, at codon 619 of the KIT protein (p.Thr619Asn).

NM_000222.3(KIT):c.1856C>A (p.Thr619Asn)

Gene: KIT (KIT proto-oncogene, receptor tyrosine kinase; plus strand). Cytogenetic location: 4q12.
Variant type: single nucleotide variant.
Coding change: c.1856C>A on transcript NM_000222.3 (MANE Select); coding-DNA position 1856, C replaced by A.
Protein change: p.Thr619Asn; replaces threonine 619 with asparagine.
Molecular consequence: missense variant.
Genome position (GRCh38, 1-based): chr4:54,727,904, C>A. VCF-style: chr4-54727904-C-A. GRCh37 (hg19) VCF-style: chr4-55594070-C-A.
Other names: c.1844C>A, p.Thr615Asn (NM_001093772.2, NM_001385286.1); c.1859C>A, p.Thr620Asn (NM_001385284.1, NM_001385290.1); c.1856C>A, p.Thr619Asn (NM_001385285.1); c.1847C>A, p.Thr616Asn (NM_001385288.1, NM_001385292.1); short protein forms T620N, T619N, T615N, T616N.
Identifiers: ClinVar variation 2751212 (VCV002751212.3), dbSNP rs1294929758, ClinGen allele CA356908180.
Genomic context (GRCh38, chr4:54,727,904, plus strand): 5'-CTTTCGGGAAGGTTGTTGAGGCAACTGCTTATGGCTTAATTAAGTCAGATGCGGCCATGA[C>A]TGTCGCTGTAAAGATGCTCAAGCGTAAGTTCCTGTATGGTACTGCATGCGCTTGACATCA-3'
Protein context (NP_000213.1, residues 609-629): YGLIKSDAAM[Thr619Asn]VAVKMLKPSA